The following is an entry in ClinVar:

NM_000525.4(KCNJ11):c.554_557dup (p.His186fs)

Gene: KCNJ11 (potassium inwardly rectifying channel subfamily J member 11; minus strand). Cytogenetic location: 11p15.1.
Variant type: Microsatellite.
Coding change: c.554_557dup on transcript NM_000525.4 (MANE Select); coding-DNA positions 554 to 557, 4 bases duplicated (AGCA; older notation c.554_557dupAGCA).
Protein change: p.His186fs; shifts the reading frame from histidine 186.
Molecular consequence: frameshift variant.
Genome position (GRCh38, 1-based): chr11:17,387,535-17,387,538, TGCT duplicated on the plus strand (AGCA on the coding strand, the reverse complement: KCNJ11 is on the minus strand); duplicating any 4 consecutive bases within chr11:17,387,535-17,387,542 gives the same sequence; the c. name uses the placement nearest the transcript's 3' end. VCF-style (leftmost placement, unchanged base first): chr11-17387534-A-ATGCT. GRCh37 (hg19) VCF-style: chr11-17409081-A-ATGCT.
Other names: c.293_296dup, p.His99fs (NM_001166290.2, NM_001377296.1, NM_001377297.1); short protein forms H186fs, H99fs.
Identifiers: ClinVar variation 3639451 (VCV003639451.2).

ClinVar aggregate classification (germline): Pathogenic (1 of 4 stars; one submission).

Submission:

Labcorp Genetics (formerly Invitae), Labcorp
Classification: Pathogenic. Last evaluated: 2024-02-07. Review status: criteria provided, single submitter. Criteria: Invitae Variant Classification Sherloc (09022015). Collection method: clinical testing. Allele origin: germline.
Comment: This sequence change creates a premature translational stop signal (p.His186Glnfs*20) in the KCNJ11 gene. While this is not anticipated to result in nonsense mediated decay, it is expected to disrupt the last 205 amino acid(s) of the KCNJ11 protein. This variant is not present in population databases (gnomAD no frequency). This variant has not been reported in the literature in individuals affected with KCNJ11-related conditions. This variant disrupts a region of the KCNJ11 protein in which other variant(s) (p.Arg301Pro) have been determined to be pathogenic (PMID: 18250167, 21115269, 28787272). This suggests that this is a clinically significant region of the protein, and that variants that disrupt it are likely to be disease-causing. For these reasons, this variant has been classified as Pathogenic.

Literature cited by the submitters: PubMed 18250167; PubMed 21115269; PubMed 28787272.